The following is an entry in ClinVar:

ClinVar aggregate classification (germline): Uncertain significance (1 of 4 stars; one submission).

Allele frequency attached by ClinVar (database versions not stated): gnomAD exomes below 0.00001; TOPMed below 0.00001; gnomAD 0.00003.
gnomAD v4.1: 2 of 1,614,202 alleles (0.00012%); highest among the groups gnomAD compares: African/African-American, 0.0027%; no homozygotes.

Submission:

GeneDx
Classification: Uncertain significance. Last evaluated: 2021-06-21. Review status: criteria provided, single submitter. Criteria: GeneDx Variant Classification Process June 2021. Collection method: clinical testing. Allele origin: germline. Affected: yes.
Comment: In silico analysis supports that this missense variant has a deleterious effect on protein structure/function; Has not been previously published as pathogenic or benign to our knowledge

NM_001366722.1(GRIP1):c.1520A>T (p.Glu507Val)

Gene: GRIP1 (glutamate receptor interacting protein 1; minus strand). Cytogenetic location: 12q14.3.
Variant type: single nucleotide variant.
Coding change: c.1520A>T on transcript NM_001366722.1 (MANE Select); coding-DNA position 1520, A replaced by T.
Protein change: p.Glu507Val; replaces glutamic acid 507 with valine.
Molecular consequence: missense variant.
Genome position (GRCh38, 1-based): chr12:66,445,343, T>A on the plus strand (A>T on the coding strand, the complement: GRIP1 is on the minus strand). VCF-style: chr12-66445343-T-A. GRCh37 (hg19) VCF-style: chr12-66839123-T-A.
Other names: c.1364A>T, p.Glu455Val (NM_001178074.2, NM_021150.4); c.1439A>T, p.Glu480Val (NM_001366723.1); c.1442A>T, p.Glu481Val (NM_001366724.1); short protein forms E455V, E480V, E481V, E507V.
Identifiers: ClinVar variation 426489 (VCV000426489.3), dbSNP rs1085307650, ClinGen allele CA385622933.
Genomic context (GRCh38, chr12:66,445,343, plus strand): 5'-GCAGAGCAGAAAATGATGCTGTGAAAGAAAGTGTCTCACCTCTCTGCTGGGCTGTCAGCT[T>A]CGATATAGGAAATCAGAGGTGGAGAAGAGAGAGTTTCTGTGGCAAACACACTGCCCTGCA-3'
Protein context (NP_001353651.1, residues 497-517): LSSPPLISYI[Glu507Val]ADSPAERCGV